The following is an entry in ClinVar:

ClinVar aggregate classification (germline): Conflicting classifications of pathogenicity. Review status: criteria provided, conflicting classifications (1 of 4 stars). 6 submissions from 6 submitters: Pathogenic (1); Likely pathogenic (2); Uncertain significance (3). Last evaluated 2025-12-08.

Conditions:
RBM20-related disorder. Also called: RBM20-related condition.
Cardiovascular phenotype. Identifiers: MedGen CN230736.
Cardiomyopathy (CMYO). Also called: Cardiomyopathies. Identifiers: Orphanet 167848, MedGen C0878544, MONDO:0004994, HP:0001638. Inheritance: Various modes of inheritance.
Dilated cardiomyopathy 1DD (CMD1DD). Identifiers: Orphanet 154, MedGen C2750995, MONDO:0013168, OMIM 613172.

Submissions (6):

Labcorp Genetics (formerly Invitae), Labcorp
Classification: Pathogenic for Dilated cardiomyopathy 1DD. Last evaluated: 2025-12-08. Review status: criteria provided, single submitter. Criteria: Invitae Variant Classification Sherloc (09022015). Collection method: clinical testing. Allele origin: germline.
Comment: This sequence change creates a premature translational stop signal (p.Ile1090Hisfs*4) in the RBM20 gene. It is expected to result in an absent or disrupted protein product. Loss-of-function variants in RBM20 are known to be pathogenic (PMID: 20590677, 22004663, 38288598, 38510713, 40339755). This variant is present in population databases (rs760334885, gnomAD 0.001%). This premature translational stop signal has been observed in individual(s) with dilated cardiomyopathy (PMID: 39844436). ClinVar contains an entry for this variant (Variation ID: 847000). For these reasons, this variant has been classified as Pathogenic.

Ambry Genetics
Classification: Uncertain significance for Cardiovascular phenotype. Last evaluated: 2025-02-13. Review status: criteria provided, single submitter. Criteria: Ambry Variant Classification Scheme 2023. Collection method: clinical testing. Allele origin: germline.
Comment: The c.3267dupC variant, located in coding exon 11 of the RBM20 gene, results from a duplication of C at nucleotide position 3267, causing a translational frameshift with a predicted alternate stop codon (p.I1090Hfs*4). This alteration is expected to result in protein truncation or nonsense-mediated mRNA decay. However, loss of function of RBM20 has not been established as a mechanism of disease. Based on the available evidence, the clinical significance of this alteration remains unclear.

Blueprint Genetics
Classification: Likely pathogenic for RBM20-related disorders. Last evaluated: 2024-11-06. Review status: criteria provided, single submitter. Criteria: ACMG Guidelines, 2015. Collection method: clinical testing. Allele origin: germline. Affected: yes. Observed: 1 variant allele.

CHEO Genetics Diagnostic Laboratory, Children's Hospital of Eastern Ontario
Classification: Uncertain significance for Cardiomyopathy. Last evaluated: 2023-03-24. Review status: criteria provided, single submitter. Criteria: ACMG Guidelines, 2015. Collection method: clinical testing. Allele origin: germline.

GeneDx
Classification: Uncertain significance. Last evaluated: 2022-10-13. Review status: criteria provided, single submitter. Criteria: GeneDx Variant Classification Process June 2021. Collection method: clinical testing. Allele origin: germline. Affected: yes.
Comment: Not observed at a significant frequency in large population cohorts (gnomAD); Frameshift variant predicted to result in protein truncation or nonsense mediated decay in a gene or region of a gene for which loss of function is not a known mechanism of disease; Has not been previously published as pathogenic or benign to our knowledge

AiLife Diagnostics
Classification: Likely pathogenic. Last evaluated: 2021-05-10. Review status: criteria provided, single submitter. Criteria: ACMG Guidelines, 2015. Collection method: clinical testing. Allele origin: germline. Affected: yes. Observed: 3 variant alleles.

Literature cited by the submitters: PubMed 20590677 (cited by Labcorp Genetics (formerly Invitae), Labcorp); PubMed 22004663 (cited by Labcorp Genetics (formerly Invitae), Labcorp); PubMed 38288598 (cited by Labcorp Genetics (formerly Invitae), Labcorp); PubMed 38510713 (cited by Labcorp Genetics (formerly Invitae), Labcorp); PubMed 40339755 (cited by Labcorp Genetics (formerly Invitae), Labcorp); PubMed 39844436 (cited by Labcorp Genetics (formerly Invitae), Labcorp).

NM_001134363.3(RBM20):c.3267dup (p.Ile1090fs)

Gene: RBM20 (RNA binding motif protein 20; plus strand). Cytogenetic location: 10q25.2.
Variant type: Duplication.
Coding change: c.3267dup on transcript NM_001134363.3 (MANE Select); coding-DNA position 3267, one base duplicated (C; older notation c.3267dupC).
Protein change: p.Ile1090fs; shifts the reading frame from isoleucine 1090.
Molecular consequence: frameshift variant.
Genome position (GRCh38, 1-based): chr10:110,821,886, C duplicated; the last of 7 consecutive C bases (chr10:110,821,880-110,821,886); duplicating any one gives the same sequence. VCF-style (leftmost placement, unchanged base first): chr10-110821879-G-GC. GRCh37 (hg19) VCF-style: chr10-112581637-G-GC.
Other names: c.3267dupC (NM_001134363.1); short protein forms I1090fs.
Identifiers: ClinVar variation 847000 (VCV000847000.17), dbSNP rs760334885, ClinGen allele CA5688742.